The following is an entry in ClinVar:

NM_139076.3(ABRAXAS1):c.320A>G (p.Asp107Gly)

Gene: ABRAXAS1 (abraxas 1, BRCA1 A complex subunit; minus strand). Cytogenetic location: 4q21.23.
Variant type: single nucleotide variant.
Coding change: c.320A>G on transcript NM_139076.3 (MANE Select); coding-DNA position 320, A replaced by G.
Protein change: p.Asp107Gly; replaces aspartic acid 107 with glycine.
Molecular consequence: missense variant. On other transcripts: 5 prime UTR variant (1).
Genome position (GRCh38, 1-based): chr4:83,470,359, T>C on the plus strand (A>G on the coding strand, the complement: ABRAXAS1 is on the minus strand). VCF-style: chr4-83470359-T-C. GRCh37 (hg19) VCF-style: chr4-84391512-T-C.
Other names: c.-8A>G (NM_001345962.2); short protein forms D107G.
Identifiers: ClinVar variation 1800337 (VCV001800337.2), dbSNP rs1578128583, ClinGen allele CA357260171.

ClinVar aggregate classification (germline): Uncertain significance (1 of 4 stars; one submission).

Submission:

Ambry Genetics
Classification: Uncertain significance. Last evaluated: 2021-09-07. Review status: criteria provided, single submitter. Criteria: Ambry Variant Classification Scheme 2023. Collection method: clinical testing. Allele origin: germline.
Comment: The p.D107G variant (also known as c.320A>G), located in coding exon 5 of the FAM175A gene, results from an A to G substitution at nucleotide position 320. The aspartic acid at codon 107 is replaced by glycine, an amino acid with similar properties. This amino acid position is conserved. In addition, this alteration is predicted to be tolerated by in silico analysis. Since supporting evidence is limited at this time, the clinical significance of this alteration remains unclear.